The following is an entry in ClinVar:

NM_005560.6(LAMA5):c.1111G>A (p.Asp371Asn)

Gene: LAMA5 (laminin subunit alpha 5; minus strand). Cytogenetic location: 20q13.33.
Variant type: single nucleotide variant.
Coding change: c.1111G>A on transcript NM_005560.6 (MANE Select); coding-DNA position 1111, G replaced by A.
Protein change: p.Asp371Asn; replaces aspartic acid 371 with asparagine.
Molecular consequence: missense variant.
Genome position (GRCh38, 1-based): chr20:62,346,762, C>T on the plus strand (G>A on the coding strand, the complement: LAMA5 is on the minus strand). VCF-style: chr20-62346762-C-T. GRCh37 (hg19) VCF-style: chr20-60921818-C-T.
Other names: c.1111G>A (NM_005560.3); short protein forms D371N.
Identifiers: ClinVar variation 1908578 (VCV001908578.5), dbSNP rs370545050, ClinGen allele CA9944091.
Genomic context (GRCh38, chr20:62,346,762, plus strand): 5'-CCCCACCCTGATAGGTGCCATCCAGGCTCTGGCTGGCGCGGCGCCGGTCCACCTCAGGGT[C>T]GTAGTAACAGTCGGTGGCATGGCCGTAGCAGTTACAGGCTAGAGAGAGGGGAGCGCAGCT-3'
Protein context (NP_005551.3, residues 361-381): CYGHATDCYY[Asp371Asn]PEVDRRRASQ

ClinVar aggregate classification (germline): Uncertain significance. Review status: criteria provided, multiple submitters, no conflicts (2 of 4 stars). 2 submissions from 2 submitters: Uncertain significance (2). Last evaluated 2025-05-29.

Conditions:
Inborn genetic diseases. Identifiers: MedGen C0950123, MeSH D030342.

Allele frequency attached by ClinVar (database versions not stated): ExAC 0.00004; gnomAD 0.00005.
gnomAD v4.1: 90 of 1,612,822 alleles (0.0056%); highest among the groups gnomAD compares: Middle Eastern, 0.033%; no homozygotes.

Submissions (2):

Ambry Genetics
Classification: Uncertain significance for Inborn genetic diseases. Last evaluated: 2025-05-29. Review status: criteria provided, single submitter. Criteria: Ambry Variant Classification Scheme 2023. Collection method: clinical testing. Allele origin: germline.

Labcorp Genetics (formerly Invitae), Labcorp
Classification: Uncertain significance. Last evaluated: 2024-11-05. Review status: criteria provided, single submitter. Criteria: Invitae Variant Classification Sherloc (09022015). Collection method: clinical testing. Allele origin: germline.
Comment: This sequence change replaces aspartic acid, which is acidic and polar, with asparagine, which is neutral and polar, at codon 371 of the LAMA5 protein (p.Asp371Asn). This variant is present in population databases (rs370545050, gnomAD 0.02%). This variant has not been reported in the literature in individuals affected with LAMA5-related conditions. ClinVar contains an entry for this variant (Variation ID: 1908578). An algorithm developed to predict the effect of missense changes on protein structure and function (PolyPhen-2) suggests that this variant is likely to be disruptive. In summary, the available evidence is currently insufficient to determine the role of this variant in disease. Therefore, it has been classified as a Variant of Uncertain Significance.